The following is an entry in ClinVar:

NM_032119.4(ADGRV1):c.1476A>C (p.Ile492=)

Gene: ADGRV1 (adhesion G protein-coupled receptor V1; plus strand). Cytogenetic location: 5q14.3.
Variant type: single nucleotide variant.
Coding change: c.1476A>C on transcript NM_032119.4 (MANE Select); coding-DNA position 1476, A replaced by C.
Protein change: p.Ile492=; no amino-acid change (isoleucine 492 retained).
Molecular consequence: synonymous variant. On other transcripts: non-coding transcript variant (1).
Genome position (GRCh38, 1-based): chr5:90,628,799, A>C. VCF-style: chr5-90628799-A-C. GRCh37 (hg19) VCF-style: chr5-89924616-A-C.
Identifiers: ClinVar variation 4681607 (VCV004681607.5).
Genomic context (GRCh38, chr5:90,628,799, plus strand): 5'-TGATGATGATCTTCCAGAAGAGGCAGAAGCTTATCTACTTCAAATTCTGCCTCATACAAT[A>C]CGAGGAGGTGCAGAAGTGAGCGAGCCAGCGGAGGTATAACCCTTGTTATGCTTTATGCTT-3'
Protein context (NP_115495.3, residues 482-502): AYLLQILPHT[Ile492=]RGGAEVSEPA

ClinVar aggregate classification (germline): Likely benign (1 of 4 stars; one submission).

Submission:

CeGaT Center for Human Genetics Tuebingen
Classification: Likely benign. Last evaluated: 2025-12-01. Review status: criteria provided, single submitter. Criteria: CeGaT Center For Human Genetics Tuebingen Variant Classification Criteria Version 2. Collection method: clinical testing. Allele origin: germline. Affected: yes. Observed: 1 variant allele.
Comment: ADGRV1: PM2:Supporting, BP4, BP7